The following is an entry in ClinVar:

Single allele

Gene: PCDH15 (protocadherin related 15; minus strand). Cytogenetic location: 10q21.1.
Variant type: Duplication.
Identifiers: ClinVar variation 4056478 (VCV004056478.1).

ClinVar aggregate classification (germline): Pathogenic (1 of 4 stars; one submission).

Conditions:
Usher syndrome type 1F (USH1F). Also called: USHER SYNDROME, TYPE IF. Identifiers: Orphanet 231169, Orphanet 886, MedGen C1865885, MONDO:0011186, OMIM 602083.

Submission:

Broad Center for Mendelian Genomics, Broad Institute of MIT and Harvard
Classification: Pathogenic for Usher syndrome type 1F. Last evaluated: 2025-06-06. Review status: criteria provided, single submitter. Criteria: ACMG/ClinGen CNV Guidelines, 2019. Collection method: curation. Allele origin: unknown. Inheritance: Autosomal recessive inheritance.
Comment: The duplication of exons 4-6 in PCDH15 was identified in 2 individuals with Type 1 Usher Syndrome (PMID: 22815625, 20538994), and has been identified in 0.002% (1/59088) of European (non-Finnish) chromosomes by the Genome Aggregation Database (gnomAD). Although this variant has been seen in the general population in a heterozygous state, its frequency is low enough to be consistent with a recessive carrier frequency. Of the 2 affected individuals, 1 was a compound heterozygote that carried a variant of uncertain significance in trans, and one was a homozygote, which increases the likelihood that the duplication is pathogenic (VCV000968368.13; PMID: 22815625, 20538994). This intragenic variant is predicted to cause a frameshift, which alters the protein’s amino acid sequence and leads to a premature termination codon. This alteration is then predicted to lead to a truncated or absent protein. Loss of function of the PCDH15 gene is an established disease mechanism in Type 1 Usher Syndrome. In summary, this variant meets criteria to be classified as pathogenic for autosomal recessive Type 1 Usher Syndrome. The ACMG/ClinGen evidence codes and points used in this curation are as follows: 1A: 0 points, 2I: 0.90 points, 3A: 0 points, 4E: 0.23 points, 5G: 0 points; Total: 1.13 points; Riggs 2020 (PMID: 31690835).

Literature cited by the submitters: PubMed 22815625; PubMed 20538994.